The following is an entry in ClinVar:

ClinVar aggregate classification (germline): Likely pathogenic (1 of 4 stars; one submission).

gnomAD v4.1: 2 of 1,614,066 alleles (0.00012%); highest among the groups gnomAD compares: Non-Finnish European, 0.00017%; no homozygotes.

Submission:

GeneDx
Classification: Likely pathogenic. Last evaluated: 2026-04-19. Review status: criteria provided, single submitter. Criteria: GeneDx Variant Classification Process June 2021. Collection method: clinical testing. Allele origin: germline.
Comment: Not observed at significant frequency in large population cohorts (gnomAD); In silico analysis supports that this missense variant has a deleterious effect on protein structure/function; Has not been previously published as pathogenic or benign to our knowledge

NM_001012426.2(FOXP4):c.1579C>T (p.Arg527Cys)

Gene: FOXP4 (forkhead box P4; plus strand). Cytogenetic location: 6p21.1.
Variant type: single nucleotide variant.
Coding change: c.1579C>T on transcript NM_001012426.2 (MANE Select); coding-DNA position 1579, C replaced by T.
Protein change: p.Arg527Cys; replaces arginine 527 with cysteine.
Molecular consequence: missense variant.
Genome position (GRCh38, 1-based): chr6:41,594,912, C>T. VCF-style: chr6-41594912-C-T. GRCh37 (hg19) VCF-style: chr6-41562650-C-T.
Other names: c.1573C>T, p.Arg525Cys (NM_001012427.2); c.1543C>T, p.Arg515Cys (NM_001405824.1); c.1483C>T, p.Arg495Cys (NM_001405825.1); c.1447C>T, p.Arg483Cys (NM_001405826.1); c.1540C>T, p.Arg514Cys (NM_138457.3); short protein forms R483C, R495C, R514C, R515C, R525C, R527C.
Identifiers: ClinVar variation 5036888 (VCV005036888.1).